The following is an entry in ClinVar:

ClinVar aggregate classification (germline): Uncertain significance (1 of 4 stars; one submission).

gnomAD v4.1: 2 of 1,595,856 alleles (0.00013%); highest among the groups gnomAD compares: Non-Finnish European, 0.00017%; no homozygotes.

Submission:

CeGaT Center for Human Genetics Tuebingen
Classification: Uncertain significance. Last evaluated: 2024-08-01. Review status: criteria provided, single submitter. Criteria: CeGaT Center For Human Genetics Tuebingen Variant Classification Criteria Version 2. Collection method: clinical testing. Allele origin: germline. Affected: yes. Observed: 1 variant allele.
Comment: DPF2: PM2, PP2, PP3

NM_006268.5(DPF2):c.515A>G (p.Tyr172Cys)

Gene: DPF2 (double PHD fingers 2; plus strand). Cytogenetic location: 11q13.1.
Variant type: single nucleotide variant.
Coding change: c.515A>G on transcript NM_006268.5 (MANE Select); coding-DNA position 515, A replaced by G.
Protein change: p.Tyr172Cys; replaces tyrosine 172 with cysteine.
Molecular consequence: missense variant.
Genome position (GRCh38, 1-based): chr11:65,343,794, A>G. VCF-style: chr11-65343794-A-G. GRCh37 (hg19) VCF-style: chr11-65111265-A-G.
Other names: c.515A>G, p.Tyr172Cys (NM_001330308.2); short protein forms Y172C.
Identifiers: ClinVar variation 3342037 (VCV003342037.16).